The following is an entry in ClinVar:

ClinVar aggregate classification (germline): Pathogenic. Review status: criteria provided, multiple submitters, no conflicts (2 of 4 stars). 2 submissions from 2 submitters: Pathogenic (2). Last evaluated 2025-10-10.

Conditions:
Stickler syndrome. Identifiers: Orphanet 828, MedGen C0265253, MONDO:0019354.

Submissions (2):

Cambridge Genomics Laboratory, East Genomic Laboratory Hub, NHS Genomic Medicine Service
Classification: Pathogenic for Stickler syndrome. Last evaluated: 2025-10-10. Review status: criteria provided, single submitter. Criteria: ACGS Best Practice Guidelines for Variant Classification in Rare Disease 2020. Collection method: clinical testing. Allele origin: germline. Affected: yes.
Comment: PVS1_Strong,PS1,PS4_Supporting,PM2,PP4

Labcorp Genetics (formerly Invitae), Labcorp
Classification: Pathogenic. Last evaluated: 2023-07-17. Review status: criteria provided, single submitter. Criteria: Invitae Variant Classification Sherloc (09022015). Collection method: clinical testing. Allele origin: germline.
Comment: This sequence change affects an acceptor splice site in intron 14 of the COL11A1 gene. It is expected to disrupt RNA splicing. Variants that disrupt the donor or acceptor splice site typically lead to a loss of protein function (PMID: 16199547), and loss-of-function variants in COL11A1 are known to be pathogenic (PMID: 20513134, 21035103, 23922384, 25240749, 32427345, 32756486). This variant is not present in population databases (gnomAD no frequency). Disruption of this splice site has been observed in individual(s) with autosomal dominant Stickler syndrome (PMID: 32756486). ClinVar contains an entry for this variant (Variation ID: 1928115). Algorithms developed to predict the effect of sequence changes on RNA splicing suggest that this variant may disrupt the consensus splice site. For these reasons, this variant has been classified as Pathogenic.

Literature cited by the submitters: PubMed 16199547 (cited by Labcorp Genetics (formerly Invitae), Labcorp); PubMed 20513134 (cited by Labcorp Genetics (formerly Invitae), Labcorp); PubMed 21035103 (cited by Labcorp Genetics (formerly Invitae), Labcorp); PubMed 23922384 (cited by Labcorp Genetics (formerly Invitae), Labcorp); PubMed 25240749 (cited by Labcorp Genetics (formerly Invitae), Labcorp); PubMed 32427345 (cited by Labcorp Genetics (formerly Invitae), Labcorp); PubMed 32756486 (cited by Labcorp Genetics (formerly Invitae), Labcorp).

NM_001854.4(COL11A1):c.1630-1G>T

Gene: COL11A1 (collagen type XI alpha 1 chain; minus strand). Cytogenetic location: 1p21.1.
Variant type: single nucleotide variant.
Coding change: c.1630-1G>T on transcript NM_001854.4 (MANE Select); the canonical splice acceptor site of the intron before coding-DNA position 1630, G replaced by T.
Molecular consequence: splice acceptor variant.
Genome position (GRCh38, 1-based): chr1:103,008,517, C>A on the plus strand (G>T on the coding strand, the complement: COL11A1 is on the minus strand). VCF-style: chr1-103008517-C-A. GRCh37 (hg19) VCF-style: chr1-103474073-C-A.
Other names: c.1513-1G>T (NM_001190709.2); c.1666-1G>T (NM_080629.3); c.1282-1G>T (NM_080630.4).
Identifiers: ClinVar variation 1928115 (VCV001928115.6), dbSNP rs2101869722, ClinGen allele CA341175627.